The following is an entry in ClinVar:

ClinVar aggregate classification (germline): Conflicting classifications of pathogenicity. Review status: criteria provided, conflicting classifications (1 of 4 stars). 13 submissions from 11 submitters: Uncertain significance (1); Benign (6); Likely benign (6). Last evaluated 2026-06-01.

Conditions:
Inborn genetic diseases. Identifiers: MedGen C0950123, MeSH D030342.
Wilms tumor 1 (WT1). Also called: Wilms tumor, somatic. Identifiers: Orphanet 654, MedGen CN033288, MONDO:0008679, OMIM 194070.
11p partial monosomy syndrome (WAGR). Also called: WAGR Spectrum Disorder; WAGR syndrome; CHROMOSOME 11p13 DELETION SYNDROME; WAGR Complex. Identifiers: Orphanet 893, MedGen C0206115, MONDO:0008681, OMIM 194072.
Frasier syndrome. Identifiers: Orphanet 347, MedGen C0950122, MeSH D052159, MONDO:0007635, OMIM 136680.
Drash syndrome (DDS). Also called: WILMS TUMOR AND PSEUDO- OR TRUE HERMAPHRODITISM; NEPHROPATHY, WILMS TUMOR, AND GENITAL ANOMALIES. Identifiers: Orphanet 220, MedGen C0950121, MONDO:0008682, OMIM 194080.
Hereditary cancer-predisposing syndrome. Also called: Hereditary neoplastic syndrome; Hereditary Cancer Syndrome; Neoplastic Syndromes, Hereditary; Tumor predisposition. Identifiers: Orphanet 140162, MedGen C0027672, MeSH D009386, MONDO:0015356.
Nephrotic syndrome, type 4 (NPHS4). Also called: Familial mesangial sclerosis; Nephrotic syndrome, early onset with diffuse mesangial sclerosis. Identifiers: Orphanet 656, MedGen C3151568, MONDO:0009733, OMIM 256370.
Meacham syndrome. Also called: Meacham Winn Culler syndrome. Identifiers: Orphanet 3097, MedGen C1837026, MONDO:0012164, OMIM 608978.

Allele frequency attached by ClinVar (database versions not stated): gnomAD exomes 0.00005 and 0.00024; gnomAD 0.00006 and 0.00007; TOPMed 0.00011; ExAC 0.00024; 1000 Genomes Project 0.00060; 1000 Genomes Project 30x 0.00062.
gnomAD v4.1: 83 of 1,613,976 alleles (0.0051%); highest among the groups gnomAD compares: East Asian, 0.17%; 1 homozygote.

Submissions (13):

CeGaT Center for Human Genetics Tuebingen
Classification: Likely benign. Last evaluated: 2026-06-01. Review status: criteria provided, single submitter. Criteria: CeGaT Center For Human Genetics Tuebingen Variant Classification Criteria Version 2. Collection method: clinical testing. Allele origin: germline. Affected: yes. Observed: 1 variant allele.
Comment: WT1: BP4, BS1

Labcorp Genetics (formerly Invitae), Labcorp
Classification: Benign for Wilms tumor 1; Drash syndrome; 11p partial monosomy syndrome; Frasier syndrome. Last evaluated: 2026-02-03. Review status: criteria provided, single submitter. Criteria: Invitae Variant Classification Sherloc (09022015). Collection method: clinical testing. Allele origin: germline.

KCCC/NGS Laboratory, Kuwait Cancer Control Center
Classification: Benign for Wilms tumor 1. Last evaluated: 2025-02-01. Review status: criteria provided, single submitter. Criteria: ACMG Guidelines, 2015. Collection method: clinical testing. Allele origin: germline. Affected: no.

Ambry Genetics
Classification: Likely benign for Inborn genetic diseases. Last evaluated: 2024-08-21. Review status: criteria provided, single submitter. Criteria: Ambry Variant Classification Scheme 2023. Collection method: clinical testing. Allele origin: germline.

All of Us Research Program, National Institutes of Health
Classification: Benign for Wilms tumor 1. Last evaluated: 2024-02-05. Review status: criteria provided, single submitter. Criteria: ACMG Guidelines, 2015. Collection method: clinical testing. Allele origin: germline. Inheritance: Autosomal dominant inheritance. Observed: 15 variant alleles, 14 heterozygotes, 1 homozygote.
Comment: This study involves interpretation of variants in research participants for the purpose of population health screening. Participant phenotype was not available at the time of variant classification. Additional details can be found in publication PMID: 35346344, PMCID: PMC8962531

Color Diagnostics, LLC DBA Color Health
Classification: Benign for Wilms tumor 1. Last evaluated: 2022-10-20. Review status: criteria provided, single submitter. Criteria: ACMG Guidelines, 2015. Collection method: clinical testing. Allele origin: germline.

Blueprint Genetics
Classification: Likely benign. Last evaluated: 2022-07-12. Review status: criteria provided, single submitter. Criteria: ACMG Guidelines, 2015. Collection method: clinical testing. Allele origin: germline.

Sema4
Classification: Benign for Hereditary cancer-predisposing syndrome. Last evaluated: 2021-10-24. Review status: criteria provided, single submitter. Criteria: Sema4 Curation Guidelines. Collection method: curation. Allele origin: germline.

Illumina Laboratory Services, Illumina
Classification: Likely benign for Wilms tumor 1. Last evaluated: 2018-01-12. Review status: criteria provided, single submitter. Criteria: ICSL Variant Classification Criteria 13 December 2019. Collection method: clinical testing. Allele origin: germline.
Comment: This variant was observed in the ICSL laboratory as part of a predisposition screen in an ostensibly healthy population. It had not been previously curated by ICSL or reported in the Human Gene Mutation Database (HGMD: prior to June 1st, 2018), and was therefore a candidate for classification through an automated scoring system. Utilizing variant allele frequency, disease prevalence and penetrance estimates, and inheritance mode, an automated score was calculated to assess if this variant is too frequent to cause the disease. Based on the score and internal cut-off values, a variant classified as likely benign is not then subjected to further curation. The score for this variant resulted in a classification of likely benign for this disease.

Illumina Laboratory Services, Illumina
Classification: Uncertain significance for Nephrotic syndrome, type 4. Last evaluated: 2018-01-12. Review status: criteria provided, single submitter. Criteria: ICSL Variant Classification Criteria 13 December 2019. Collection method: clinical testing. Allele origin: germline.

Illumina Laboratory Services, Illumina
Classification: Benign for Meacham syndrome. Last evaluated: 2018-01-12. Review status: criteria provided, single submitter. Criteria: ICSL Variant Classification Criteria 13 December 2019. Collection method: clinical testing. Allele origin: germline.
Comment: This variant was observed in the ICSL laboratory as part of a predisposition screen in an ostensibly healthy population. It had not been previously curated by ICSL or reported in the Human Gene Mutation Database (HGMD: prior to June 1st, 2018), and was therefore a candidate for classification through an automated scoring system. Utilizing variant allele frequency, disease prevalence and penetrance estimates, and inheritance mode, an automated score was calculated to assess if this variant is too frequent to cause the disease. Based on the score and internal cut-off values, a variant classified as benign is not then subjected to further curation. The score for this variant resulted in a classification of benign for this disease.

Genetic Services Laboratory, University of Chicago
Classification: Likely benign. Last evaluated: 2017-11-09. Review status: criteria provided, single submitter. Criteria: ACMG Guidelines, 2015. Collection method: clinical testing. Allele origin: germline. Affected: no.

PreventionGenetics, part of Exact Sciences
Classification: Likely benign. Review status: criteria provided, single submitter. Criteria: ACMG Guidelines, 2015. Collection method: clinical testing. Allele origin: germline.

NM_024426.6(WT1):c.696C>T (p.Ser232=)

Gene: WT1 (WT1 transcription factor; minus strand). Cytogenetic location: 11p13.
Variant type: single nucleotide variant.
Coding change: c.696C>T on transcript NM_024426.6 (MANE Select); coding-DNA position 696, C replaced by T.
Protein change: p.Ser232=; no amino-acid change (serine 232 retained).
Molecular consequence: synonymous variant. On other transcripts: 5 prime UTR variant (1), non-coding transcript variant (2), intron variant (2).
Genome position (GRCh38, 1-based): chr11:32,428,585, G>A on the plus strand (C>T on the coding strand, the complement: WT1 is on the minus strand). VCF-style: chr11-32428585-G-A. GRCh37 (hg19) VCF-style: chr11-32450131-G-A.
Other names: c.696C>T, p.Ser232= (NM_000378.6, NM_001407044.1, NM_001407045.1 and 4 more transcripts); c.45C>T, p.Ser15= (NM_001198551.2, NM_001198552.2); c.-67C>T (NM_001407051.1); c.681C>T, p.Ser227= (NM_024425.2); c.662-527C>T (NM_001407050.1, NM_001407047.1).
Identifiers: ClinVar variation 261714 (VCV000261714.25), dbSNP rs9332974, ClinGen allele CA065495.